The following is an entry in ClinVar:

NM_001162501.2(TNRC6B):c.271G>T (p.Val91Leu)

Gene: TNRC6B (trinucleotide repeat containing adaptor 6B; plus strand). Cytogenetic location: 22q13.1.
Variant type: single nucleotide variant.
Coding change: c.271G>T on transcript NM_001162501.2 (MANE Select); coding-DNA position 271, G replaced by T.
Protein change: p.Val91Leu; replaces valine 91 with leucine.
Molecular consequence: missense variant.
Genome position (GRCh38, 1-based): chr22:40,261,987, G>T. VCF-style: chr22-40261987-G-T. GRCh37 (hg19) VCF-style: chr22-40657991-G-T.
Other names: c.379G>T, p.Val127Leu (NM_001024843.2); c.271G>T, p.Val91Leu (NM_015088.3); short protein forms V91L, V127L.
Identifiers: ClinVar variation 4977164 (VCV004977164.1).

ClinVar aggregate classification (germline): Uncertain significance (1 of 4 stars; one submission).

Conditions:
TNRC6B-related disorder. Also called: TNRC6B-related condition.

gnomAD v4.1: 1 of 1,611,384 alleles (0.000062%); no homozygotes.

Submission:

PreventionGenetics, part of Exact Sciences
Classification: Uncertain significance for TNRC6B-related condition. Last evaluated: 2026-08-03. Review status: criteria provided, single submitter. Criteria: ACMG Guidelines, 2015. Collection method: clinical testing. Allele origin: germline.
Comment: The TNRC6B c.271G>T variant is predicted to result in the amino acid substitution p.Val91Leu. To our knowledge, this variant has not been reported in the literature. This variant is reported in 1 allele out of 244270 alleles in gnomAD. At this time, the clinical significance of this variant is uncertain due to the absence of conclusive functional and genetic evidence.